The following is an entry in ClinVar:

ClinVar aggregate classification (germline): Benign. Review status: criteria provided, multiple submitters, no conflicts (2 of 4 stars). 2 submissions from 2 submitters: Benign (2). Last evaluated 2018-01-13.

Conditions:
Disorders of Intracellular Cobalamin Metabolism. Identifiers: MedGen CN043592.

Allele frequency attached by ClinVar (database versions not stated): gnomAD exomes 0.67572; gnomAD 0.73398 and 0.73746; TOPMed 0.74944; 1000 Genomes Project 0.82548; 1000 Genomes Project 30x 0.82605.
gnomAD v4.1: 114,478 of 155,482 alleles (74%); highest among the groups gnomAD compares: East Asian, 94%; 42,610 homozygotes.

Submissions (2):

Illumina Laboratory Services, Illumina
Classification: Benign for Disorders of Intracellular Cobalamin Metabolism. Last evaluated: 2018-01-13. Review status: criteria provided, single submitter. Criteria: ICSL Variant Classification Criteria 13 December 2019. Collection method: clinical testing. Allele origin: germline.
Comment: This variant was observed in the ICSL laboratory as part of a predisposition screen in an ostensibly healthy population. It had not been previously curated by ICSL or reported in the Human Gene Mutation Database (HGMD: prior to June 1st, 2018), and was therefore a candidate for classification through an automated scoring system. Utilizing variant allele frequency, disease prevalence and penetrance estimates, and inheritance mode, an automated score was calculated to assess if this variant is too frequent to cause the disease. Based on the score and internal cut-off values, a variant classified as benign is not then subjected to further curation. The score for this variant resulted in a classification of benign for this disease.

Breakthrough Genomics
Classification: Benign. Review status: criteria provided, single submitter. Criteria: ACMG Guidelines, 2015. Collection method: not provided. Allele origin: germline. Inheritance: Autosomal recessive inheritance. Affected: yes.

NM_015506.3(MMACHC):c.*1700A>G

Gene: MMACHC (metabolism of cobalamin associated C; plus strand). Cytogenetic location: 1p34.1.
Variant type: single nucleotide variant.
Coding change: c.*1700A>G on transcript NM_015506.3 (MANE Select); 1700 bases downstream of the stop codon, A replaced by G.
Molecular consequence: 3 prime UTR variant.
Genome position (GRCh38, 1-based): chr1:45,510,915, A>G. VCF-style: chr1-45510915-A-G. GRCh37 (hg19) VCF-style: chr1-45976587-A-G.
Other names: c.*1700A>G (NM_001330540.2).
Identifiers: ClinVar variation 297529 (VCV000297529.6), dbSNP rs1044717, ClinGen allele CA10610061.
Genomic context (GRCh38, chr1:45,510,915, plus strand): 5'-TCCCTCATGTGTAGTGAAACAAAATGTAACACCTTGGGTTCATTCAGTTCCATTCCCTAT[A>G]TCTACCTGTGTCAATATAATTCCCTGATTTGGAGGCAGCTCTCCTCATTTTCCCCAAAAC-3'